The following is an entry in ClinVar:

NM_000264.5(PTCH1):c.4160del (p.Pro1387fs)

Gene: PTCH1 (patched 1; minus strand). Cytogenetic location: 9q22.32.
Variant type: Deletion.
Coding change: c.4160del on transcript NM_000264.5 (MANE Select); coding-DNA position 4160, one base deleted (C; older notation c.4160delC).
Protein change: p.Pro1387fs; shifts the reading frame from proline 1387.
Molecular consequence: frameshift variant. On other transcripts: non-coding transcript variant (1).
Genome position (GRCh38, 1-based): chr9:95,447,096, G deleted on the plus strand (C on the coding strand, the reverse complement: PTCH1 is on the minus strand); the first of 3 consecutive G bases (chr9:95,447,096-95,447,098); deleting any one gives the same sequence. VCF-style (leftmost placement, unchanged base first): chr9-95447095-AG-A. GRCh37 (hg19) VCF-style: chr9-98209377-AG-A.
Other names: c.4160delC (NM_000264.3); c.3962del, p.Pro1321fs (NM_001083602.3); c.4157del, p.Pro1386fs (NM_001083603.3); c.3707del, p.Pro1236fs (NM_001083604.3, NM_001083605.3, NM_001083606.3 and 1 more transcripts); c.4004del, p.Pro1335fs (NM_001354918.2); short protein forms P1236fs, P1321fs, P1386fs, P1387fs, P1335fs.
Identifiers: ClinVar variation 1474477 (VCV001474477.8), dbSNP rs1837987148, ClinGen allele CA1865575189.

ClinVar aggregate classification (germline): Uncertain significance. Review status: criteria provided, multiple submitters, no conflicts (2 of 4 stars). 2 submissions from 2 submitters: Uncertain significance (2). Last evaluated 2023-05-22.

Conditions:
Gorlin syndrome. Also called: Nevoid Basal Cell Carcinoma Syndrome; Basal cell nevus syndrome. Identifiers: Orphanet 377, MedGen C0004779, MONDO:0007187.
Hereditary cancer-predisposing syndrome. Also called: Hereditary neoplastic syndrome; Tumor predisposition; Neoplastic Syndromes, Hereditary; Hereditary Cancer Syndrome. Identifiers: Orphanet 140162, MedGen C0027672, MeSH D009386, MONDO:0015356.

Submissions (2):

Ambry Genetics
Classification: Uncertain significance for Hereditary cancer-predisposing syndrome. Last evaluated: 2023-05-22. Review status: criteria provided, single submitter. Criteria: Ambry Variant Classification Scheme 2023. Collection method: clinical testing. Allele origin: germline.
Comment: The c.4160delC variant, located in coding exon 23 of the PTCH1 gene, results from a deletion of one nucleotide at nucleotide position 4160, causing a translational frameshift with a predicted alternate stop codon (p.P1387Lfs*65). This alteration occurs at the 3' terminus of thePTCH1 gene, is not expected to trigger nonsense-mediated mRNAdecay, and only impacts the last 61 amino acids of the protein. The exact functional effect of this alteration is unknown. Since supporting evidence is limited at this time, the clinical significance of this alteration remains unclear.

Labcorp Genetics (formerly Invitae), Labcorp
Classification: Uncertain significance for Gorlin syndrome. Last evaluated: 2021-07-29. Review status: criteria provided, single submitter. Criteria: Invitae Variant Classification Sherloc (09022015). Collection method: clinical testing. Allele origin: germline.
Comment: This sequence change results in a frameshift in the PTCH1 gene (p.Pro1387Leufs*65). While this is not anticipated to result in nonsense mediated decay, it is expected to disrupt the last 61 amino acid(s) of the PTCH1 protein and extend the protein by 3 additional amino acid residues. This variant is not present in population databases (ExAC no frequency). This variant has not been reported in the literature in individuals affected with PTCH1-related conditions. In summary, the available evidence is currently insufficient to determine the role of this variant in disease. Therefore, it has been classified as a Variant of Uncertain Significance. Experimental studies and prediction algorithms are not available or were not evaluated, and the functional significance of this variant is currently unknown.